The following is an entry in ClinVar:

ClinVar aggregate classification (germline): Uncertain significance. Review status: criteria provided, multiple submitters, no conflicts (2 of 4 stars). 3 submissions from 3 submitters: Uncertain significance (3). Last evaluated 2023-02-08.

Conditions:
Charcot-Marie-Tooth disease type 2. Also called: Charcot-Marie-Tooth type 2. Identifiers: Orphanet 64746, MedGen C0270914, MONDO:0018993.

Allele frequency attached by ClinVar (database versions not stated): gnomAD exomes below 0.00001.
gnomAD v4.1: 5 of 1,613,670 alleles (0.00031%); highest among the groups gnomAD compares: Non-Finnish European, 0.00042%; no homozygotes.

Submissions (3):

GeneDx
Classification: Uncertain significance. Last evaluated: 2023-02-08. Review status: criteria provided, single submitter. Criteria: GeneDx Variant Classification Process June 2021. Collection method: clinical testing. Allele origin: germline. Affected: yes.
Comment: Not observed at significant frequency in large population cohorts (gnomAD); In silico analysis supports that this missense variant has a deleterious effect on protein structure/function; Has not been previously published as pathogenic or benign to our knowledge

Labcorp Genetics (formerly Invitae), Labcorp
Classification: Uncertain significance for Charcot-Marie-Tooth disease type 2. Last evaluated: 2022-02-18. Review status: criteria provided, single submitter. Criteria: Invitae Variant Classification Sherloc (09022015). Collection method: clinical testing. Allele origin: germline.
Comment: This variant is not present in population databases (gnomAD no frequency). In summary, the available evidence is currently insufficient to determine the role of this variant in disease. Therefore, it has been classified as a Variant of Uncertain Significance. Algorithms developed to predict the effect of missense changes on protein structure and function are either unavailable or do not agree on the potential impact of this missense change (SIFT: "Tolerated"; PolyPhen-2: "Possibly Damaging"; Align-GVGD: "Class C0"). ClinVar contains an entry for this variant (Variation ID: 1163864). This variant has not been reported in the literature in individuals affected with GARS-related conditions. This sequence change replaces leucine, which is neutral and non-polar, with valine, which is neutral and non-polar, at codon 105 of the GARS protein (p.Leu105Val).

Mayo Clinic Laboratories, Mayo Clinic
Classification: Uncertain significance. Last evaluated: 2019-05-06. Review status: criteria provided, single submitter. Criteria: ACMG Guidelines, 2015. Collection method: clinical testing. Allele origin: germline. Observed: 1 variant allele.

NM_002047.4(GARS1):c.313C>G (p.Leu105Val)

Gene: GARS1 (glycyl-tRNA synthetase 1; plus strand). Cytogenetic location: 7p14.3.
Variant type: single nucleotide variant.
Coding change: c.313C>G on transcript NM_002047.4 (MANE Select); coding-DNA position 313, C replaced by G.
Protein change: p.Leu105Val; replaces leucine 105 with valine.
Molecular consequence: missense variant.
Genome position (GRCh38, 1-based): chr7:30,598,886, C>G. VCF-style: chr7-30598886-C-G. GRCh37 (hg19) VCF-style: chr7-30638502-C-G.
Other names: c.151C>G, p.Leu51Val (NM_001316772.1); short protein forms L105V, L51V.
Identifiers: ClinVar variation 1163864 (VCV001163864.10), dbSNP rs1791317535, ClinGen allele CA367139035.
Genomic context (GRCh38, chr7:30,598,886, plus strand): 5'-AAAGCACCCCAAGTAGACGTAGACAAAGCAGTGGCTGAGCTCAAAGCCCGCAAGAGGGTT[C>G]TGGAAGCAAAGGTGAGTCCTGGGATGCTAAAATAGGAACATAAGTAGGTATAGGATTGTT-3'
Protein context (NP_002038.2, residues 95-115): VAELKARKRV[Leu105Val]EAKELALQPK